The following is an entry in ClinVar:

ClinVar aggregate classification (germline): Conflicting classifications of pathogenicity. Review status: criteria provided, conflicting classifications (1 of 4 stars). 13 submissions from 13 submitters: Uncertain significance (1); Benign (3); Likely benign (7). 2 of the submissions do not count toward it. Last evaluated 2026-01-21.

Conditions:
Kidney failure. Identifiers: MedGen C0035078, MONDO:0001106.
TSC1-related disorder. Also called: TSC1-related condition.
Hereditary cancer-predisposing syndrome. Also called: Hereditary Cancer Syndrome; Tumor predisposition; Neoplastic Syndromes, Hereditary; Hereditary neoplastic syndrome. Identifiers: Orphanet 140162, MedGen C0027672, MeSH D009386, MONDO:0015356.
Tuberous sclerosis syndrome (TSC). Also called: Tuberous Sclerosis Complex; Tuberous sclerosis. Identifiers: Orphanet 805, MedGen C0041341, MONDO:0001734.
Tuberous sclerosis 1 (TSC1). Identifiers: Orphanet 805, MedGen C1854465, MONDO:0008612, OMIM 191100.

Allele frequency attached by ClinVar (database versions not stated): gnomAD 0.00005; ESP Exome Variant Server 0.00008; gnomAD exomes 0.00012 and 0.00004; ExAC 0.00005; TOPMed 0.00002.
gnomAD v4.1: 179 of 1,614,100 alleles (0.011%); highest among the groups gnomAD compares: Non-Finnish European, 0.015%; no homozygotes.

Submissions (13):

Labcorp Genetics (formerly Invitae), Labcorp
Classification: Benign for Tuberous sclerosis 1. Last evaluated: 2026-01-21. Review status: criteria provided, single submitter. Criteria: Invitae Variant Classification Sherloc (09022015). Collection method: clinical testing. Allele origin: germline.

PreventionGenetics, part of Exact Sciences
Classification: Likely benign for TSC1-related condition. Last evaluated: 2025-12-16. Review status: criteria provided, single submitter. Criteria: ACMG Guidelines, 2015. Collection method: clinical testing. Allele origin: germline.
Comment: This variant is classified as likely benign based on ACMG/AMP sequence variant interpretation guidelines (Richards et al. 2015 PMID: 25741868, with internal and published modifications).

CeGaT Center for Human Genetics Tuebingen
Classification: Likely benign. Last evaluated: 2025-05-01. Review status: criteria provided, single submitter. Criteria: CeGaT Center For Human Genetics Tuebingen Variant Classification Criteria Version 2. Collection method: clinical testing. Allele origin: germline. Affected: yes. Observed: 1 variant allele.
Comment: TSC1: PP2, BS1

Myriad Genetics, Inc.
Classification: Likely benign for Tuberous sclerosis 1. Last evaluated: 2025-04-08. Review status: criteria provided, single submitter. Criteria: Myriad Autosomal Dominant, Autosomal Recessive and X-Linked Classification Criteria (2023). Collection method: clinical testing. Allele origin: unknown.
Comment: This variant is considered likely benign. This variant has been observed at a population frequency that is significantly greater than expected given the associated disease prevalence and penetrance.

Quest Diagnostics Nichols Institute San Juan Capistrano
Classification: Likely benign. Last evaluated: 2023-02-10. Review status: criteria provided, single submitter. Criteria: Quest Diagnostics criteria. Collection method: clinical testing. Allele origin: unknown.
Comment: The frequency of this variant in the general population is higher than would generally be expected for pathogenic variants in this gene. Computational tools predict this amino acid change may be benign. Assessment of experimental evidence regarding the effect of this variant on protein function is inconclusive (PMID: 21309039)

Color Diagnostics, LLC DBA Color Health
Classification: Likely benign for Tuberous sclerosis syndrome. Last evaluated: 2022-05-26. Review status: criteria provided, single submitter. Criteria: ACMG Guidelines, 2015. Collection method: clinical testing. Allele origin: germline.

Genome-Nilou Lab
Classification: Benign for Tuberous sclerosis 1. Last evaluated: 2021-11-07. Review status: criteria provided, single submitter. Criteria: ACMG Guidelines, 2015. Collection method: clinical testing. Allele origin: germline. Affected: no.

Sema4
Classification: Likely benign for Hereditary cancer-predisposing syndrome. Last evaluated: 2021-04-27. Review status: criteria provided, single submitter. Criteria: Sema4 Curation Guidelines. Collection method: curation. Allele origin: germline.

GeneDx
Classification: Benign. Last evaluated: 2020-10-08. Review status: criteria provided, single submitter. Criteria: GeneDx Variant Classification Process June 2021. Collection method: clinical testing. Allele origin: germline. Affected: yes.
Comment: This variant is associated with the following publications: (PMID: 24728327, 23401075, 21309039)

Cambridge Genomics Laboratory, East Genomic Laboratory Hub, NHS Genomic Medicine Service
Classification: Uncertain significance for Kidney failure. Last evaluated: 2020-04-21. Review status: criteria provided, single submitter. Criteria: ACGS Best Practice Guidelines for Variant Classification in Rare Disease 2020. Collection method: clinical testing. Allele origin: germline. Affected: yes. Observed: 1 variant allele.

Ambry Genetics
Classification: Likely benign for Hereditary cancer-predisposing syndrome. Last evaluated: 2019-01-25. Review status: criteria provided, single submitter. Criteria: Ambry Variant Classification Scheme 2023. Collection method: clinical testing. Allele origin: germline.

ITMI
No classification provided. Condition: AllHighlyPenetrant. Last evaluated: 2013-09-19. Review status: no classification provided. Collection method: reference population. Allele origin: germline. Not counted in ClinVar's aggregate classification.
Comment: Please see associated publication for description of ethnicities

Tuberous sclerosis database (TSC1)
No classification provided. Condition: TSC. Review status: no classification provided. Criteria: Tuberous Sclerosis Database Assertion Criteria 2015. Collection method: curation. Allele origin: germline. Affected: yes. Not counted in ClinVar's aggregate classification.

Literature cited by the submitters: PubMed 21309039 (cited by Quest Diagnostics Nichols Institute San Juan Capistrano and Ambry Genetics); PubMed 24728327 (cited by Quest Diagnostics Nichols Institute San Juan Capistrano and ITMI); PubMed 23401075 (cited by Quest Diagnostics Nichols Institute San Juan Capistrano); PubMed 19789314 (cited by Quest Diagnostics Nichols Institute San Juan Capistrano).

NM_000368.5(TSC1):c.853T>G (p.Phe285Val)

Gene: TSC1 (TSC complex subunit 1; minus strand). Cytogenetic location: 9q34.13.
Variant type: single nucleotide variant.
Coding change: c.853T>G on transcript NM_000368.5 (MANE Select); coding-DNA position 853, T replaced by G.
Protein change: p.Phe285Val; replaces phenylalanine 285 with valine.
Molecular consequence: missense variant.
Genome position (GRCh38, 1-based): chr9:132,912,342, A>C on the plus strand (T>G on the coding strand, the complement: TSC1 is on the minus strand). VCF-style: chr9-132912342-A-C. GRCh37 (hg19) VCF-style: chr9-135787729-A-C.
Other names: c.853T>G, p.Phe285Val (NM_001162426.2); c.700T>G, p.Phe234Val (NM_001162427.2); c.490T>G, p.Phe164Val (NM_001362177.2); short protein forms F285V, F164V, F234V.
Identifiers: ClinVar variation 64699 (VCV000064699.34), dbSNP rs377076733, ClinGen allele CA008327.